The following is an entry in ClinVar:

NM_182914.3(SYNE2):c.19394C>T (p.Ala6465Val)

Gene: SYNE2 (spectrin repeat containing nuclear envelope protein 2; plus strand). Cytogenetic location: 14q23.2.
Variant type: single nucleotide variant.
Coding change: c.19394C>T on transcript NM_182914.3 (MANE Select); coding-DNA position 19394, C replaced by T.
Protein change: p.Ala6465Val; replaces alanine 6465 with valine.
Molecular consequence: missense variant. On other transcripts: intron variant (1).
Genome position (GRCh38, 1-based): chr14:64,215,346, C>T. VCF-style: chr14-64215346-C-T. GRCh37 (hg19) VCF-style: chr14-64682064-C-T.
Other names: c.296C>T, p.Ala99Val (NM_182913.4); c.19333+876C>T (NM_015180.6); short protein forms A6465V, A99V.
Identifiers: ClinVar variation 845457 (VCV000845457.15), dbSNP rs762635611, ClinGen allele CA7224407.
Genomic context (GRCh38, chr14:64,215,346, plus strand): 5'-ATGTAGAAATCCCTGAAAATCCTGAGGCATATCTTAAAATGACCACAAAAACTTTGAAAG[C>T]GTCTTCTGGTAGGCCCCCGCCCATGCATGTGTCAACATGGCAGCATCCTGTGGCGCACAC-3'
Protein context (NP_878918.2, residues 6455-6475): YLKMTTKTLK[Ala6465Val]SSGKSISDGH

ClinVar aggregate classification (germline): Uncertain significance. Review status: criteria provided, multiple submitters, no conflicts (2 of 4 stars). 3 submissions from 3 submitters: Uncertain significance (3). Last evaluated 2025-10-30.

Conditions:
Emery-Dreifuss muscular dystrophy 5, autosomal dominant (EDMD5). Also called: EMERY-DREIFUSS MUSCULAR DYSTROPHY 5. Identifiers: Orphanet 261, MedGen C2751805, MONDO:0013072, OMIM 612999.

Allele frequency attached by ClinVar (database versions not stated): gnomAD exomes below 0.00001; ExAC 0.00001; gnomAD 0.00003; TOPMed 0.00006.
gnomAD v4.1: 13 of 1,613,936 alleles (0.00081%); highest among the groups gnomAD compares: Admixed American, 0.0067%; no homozygotes.

Submissions (3):

Ambry Genetics
Classification: Uncertain significance. Last evaluated: 2025-10-30. Review status: criteria provided, single submitter. Criteria: Ambry Variant Classification Scheme 2023. Collection method: clinical testing. Allele origin: germline.

Labcorp Genetics (formerly Invitae), Labcorp
Classification: Uncertain significance for Emery-Dreifuss muscular dystrophy 5, autosomal dominant. Last evaluated: 2023-10-04. Review status: criteria provided, single submitter. Criteria: Invitae Variant Classification Sherloc (09022015). Collection method: clinical testing. Allele origin: germline.
Comment: This sequence change replaces alanine, which is neutral and non-polar, with valine, which is neutral and non-polar, at codon 6465 of the SYNE2 protein (p.Ala6465Val). This variant is present in population databases (rs762635611, gnomAD 0.004%). This variant has not been reported in the literature in individuals affected with SYNE2-related conditions. ClinVar contains an entry for this variant (Variation ID: 845457). An algorithm developed to predict the effect of missense changes on protein structure and function (PolyPhen-2) suggests that this variant is likely to be disruptive. In summary, the available evidence is currently insufficient to determine the role of this variant in disease. Therefore, it has been classified as a Variant of Uncertain Significance.

Revvity Omics, Revvity
Classification: Uncertain significance for Emery-Dreifuss muscular dystrophy 5, autosomal dominant. Last evaluated: 2020-03-11. Review status: criteria provided, single submitter. Criteria: ACMG Guidelines, 2015. Collection method: clinical testing. Allele origin: germline.